The following is an entry in ClinVar:

ClinVar aggregate classification (germline): Pathogenic (1 of 4 stars; one submission).

Conditions:
Dystonia 12 (DYT12). Also called: Rapid-Onset Dystonia-Parkinsonism (RDP); DYT-ATP1A3. Identifiers: Orphanet 71517, MedGen C1868681, MONDO:0007496, OMIM 128235.

Submission:

Labcorp Genetics (formerly Invitae), Labcorp
Classification: Pathogenic for Dystonia 12. Last evaluated: 2022-10-05. Review status: criteria provided, single submitter. Criteria: Invitae Variant Classification Sherloc (09022015). Collection method: clinical testing. Allele origin: germline.
Comment: This variant disrupts the p.Asp923 amino acid residue in ATP1A3. Other variant(s) that disrupt this residue have been determined to be pathogenic (PMID: 19652145, 20576601, 22924536, 23483595). This suggests that this residue is clinically significant, and that variants that disrupt this residue are likely to be disease-causing. For these reasons, this variant has been classified as Pathogenic. Advanced modeling of protein sequence and biophysical properties (such as structural, functional, and spatial information, amino acid conservation, physicochemical variation, residue mobility, and thermodynamic stability) performed at Invitae indicates that this missense variant is expected to disrupt ATP1A3 protein function. ClinVar contains an entry for this variant (Variation ID: 962099). This missense change has been observed in individual(s) with ATP1A3-related conditions (Invitae). In at least one individual the variant was observed to be de novo. This variant is not present in population databases (gnomAD no frequency). This sequence change replaces aspartic acid, which is acidic and polar, with alanine, which is neutral and non-polar, at codon 923 of the ATP1A3 protein (p.Asp923Ala).

Literature cited by the submitters: PubMed 19652145; PubMed 20576601; PubMed 22924536; PubMed 23483595.

NM_152296.5(ATP1A3):c.2768A>C (p.Asp923Ala)

Gene: ATP1A3 (ATPase Na+/K+ transporting subunit alpha 3; minus strand). Cytogenetic location: 19q13.2.
Variant type: single nucleotide variant.
Coding change: c.2768A>C on transcript NM_152296.5 (MANE Select); coding-DNA position 2768, A replaced by C.
Protein change: p.Asp923Ala; replaces aspartic acid 923 with alanine.
Molecular consequence: missense variant.
Genome position (GRCh38, 1-based): chr19:41,968,836, T>G on the plus strand (A>C on the coding strand, the complement: ATP1A3 is on the minus strand). VCF-style: chr19-41968836-T-G. GRCh37 (hg19) VCF-style: chr19-42472988-T-G.
Other names: c.2801A>C, p.Asp934Ala (NM_001256213.2); c.2807A>C, p.Asp936Ala (NM_001256214.2); short protein forms D923A, D934A, D936A.
Identifiers: ClinVar variation 962099 (VCV000962099.10), dbSNP rs2075071528, ClinGen allele CA406035996.